The following is an entry in ClinVar:

NM_001393586.1(MYO7B):c.1014C>T (p.Phe338=)

Gene: MYO7B (myosin VIIB; plus strand). Cytogenetic location: 2q14.3.
Variant type: single nucleotide variant.
Coding change: c.1014C>T on transcript NM_001393586.1 (MANE Select); coding-DNA position 1014, C replaced by T.
Protein change: p.Phe338=; no amino-acid change (phenylalanine 338 retained).
Molecular consequence: synonymous variant.
Genome position (GRCh38, 1-based): chr2:127,580,756, C>T. VCF-style: chr2-127580756-C-T. GRCh37 (hg19) VCF-style: chr2-128338331-C-T.
Other names: c.1014C>T, p.Phe338= (NM_001080527.2).
Identifiers: ClinVar variation 3035308 (VCV003035308.2), dbSNP rs200261111, ClinGen allele CA1860646.

ClinVar aggregate classification (germline): Likely benign (0 of 4 stars; one submission).

Conditions:
MYO7B-related disorder. Also called: MYO7B-related condition.

Allele frequency attached by ClinVar (database versions not stated): gnomAD exomes 0.00024; 1000 Genomes Project 30x 0.00047; ExAC 0.00058; 1000 Genomes Project 0.00060; ESP Exome Variant Server 0.00105; gnomAD 0.00111; TOPMed 0.00120.
gnomAD v4.1: 542 of 1,613,072 alleles (0.034%); highest among the groups gnomAD compares: Middle Eastern, 0.59%; 4 homozygotes.

Submission:

PreventionGenetics, part of Exact Sciences
Classification: Likely benign for MYO7B-related condition. Last evaluated: 2019-07-29. Review status: no assertion criteria provided. Collection method: clinical testing. Allele origin: germline.
Comment: This variant is classified as likely benign based on ACMG/AMP sequence variant interpretation guidelines (Richards et al. 2015 PMID: 25741868, with internal and published modifications).